The following is an entry in ClinVar:

ClinVar aggregate classification (germline): Uncertain significance (1 of 4 stars; one submission).

gnomAD v4.1: 33 of 1,607,194 alleles (0.0021%); highest among the groups gnomAD compares: Admixed American, 0.01%; no homozygotes.

Submission:

Labcorp Genetics (formerly Invitae), Labcorp
Classification: Uncertain significance. Last evaluated: 2023-08-04. Review status: criteria provided, single submitter. Criteria: Invitae Variant Classification Sherloc (09022015). Collection method: clinical testing. Allele origin: germline.
Comment: In summary, the available evidence is currently insufficient to determine the role of this variant in disease. Therefore, it has been classified as a Variant of Uncertain Significance. An algorithm developed to predict the effect of missense changes on protein structure and function (PolyPhen-2) suggests that this variant¬†is likely to be tolerated. ClinVar contains an entry for this variant (Variation ID: 1509089). This variant has not been reported in the literature in individuals affected with WHRN-related conditions. This variant is present in population databases (rs549584611, gnomAD 0.03%). This sequence change replaces proline, which is neutral and non-polar, with histidine, which is basic and polar, at codon 121 of the WHRN protein (p.Pro121His).

NM_015404.4(WHRN):c.362C>A (p.Pro121His)

Gene: WHRN (whirlin; minus strand). Cytogenetic location: 9q32.
Variant type: single nucleotide variant.
Coding change: c.362C>A on transcript NM_015404.4 (MANE Select); coding-DNA position 362, C replaced by A.
Protein change: p.Pro121His; replaces proline 121 with histidine.
Molecular consequence: missense variant.
Genome position (GRCh38, 1-based): chr9:114,504,440, G>T on the plus strand (C>A on the coding strand, the complement: WHRN is on the minus strand). VCF-style: chr9-114504440-G-T. GRCh37 (hg19) VCF-style: chr9-117266720-G-T.
Other names: c.362C>A, p.Pro121His (NM_001173425.2); short protein forms P121H.
Identifiers: ClinVar variation 1509089 (VCV001509089.7), dbSNP rs549584611, ClinGen allele CA5206303.